The following is an entry in ClinVar:

NM_000552.5(VWF):c.8171G>A (p.Cys2724Tyr)

Gene: VWF (von Willebrand factor; minus strand). Cytogenetic location: 12p13.31.
Variant type: single nucleotide variant.
Coding change: c.8171G>A on transcript NM_000552.5 (MANE Select); coding-DNA position 8171, G replaced by A.
Protein change: p.Cys2724Tyr; replaces cysteine 2724 with tyrosine.
Molecular consequence: missense variant.
Genome position (GRCh38, 1-based): chr12:5,949,868, C>T on the plus strand (G>A on the coding strand, the complement: VWF is on the minus strand). VCF-style: chr12-5949868-C-T. GRCh37 (hg19) VCF-style: chr12-6059034-C-T.
Other names: short protein forms C2724Y.
Identifiers: ClinVar variation 1065226 (VCV001065226.3), dbSNP rs2136336917, ClinGen allele CA383487179.

ClinVar aggregate classification (germline): Uncertain significance (0 of 4 stars; one submission).

Conditions:
von Willebrand disease type 3 (VWD3). Also called: Type 3 Von Willebrand's disease; Type 3 VWD; Von Willebrand disease, severe form; V WD3; VON WILLEBRAND DISEASE, TYPE III. Identifiers: Orphanet 166096, MedGen C1264041, MONDO:0010191, OMIM 277480.

Submission:

Angelo Bianchi Bonomi Hemophilia and Thrombosis Center, Fondazione IRCCS Ca Granda Ospedale Maggiore Policlinico
Classification: Uncertain significance for von Willebrand disease type 3. Last evaluated: 2020-11-01. Review status: no assertion criteria provided. Collection method: clinical testing. Allele origin: germline. Affected: yes. Study: Type 3 Von Willebrand International Registries Inhibitor Prospective Study (3WINTERS-IPS).
Comment: ClinGen Pathogenicity Calculator